The following is an entry in ClinVar:

NM_001081.4(CUBN):c.2087A>G (p.His696Arg)

Gene: CUBN (cubilin; minus strand). Cytogenetic location: 10p13.
Variant type: single nucleotide variant.
Coding change: c.2087A>G on transcript NM_001081.4 (MANE Select); coding-DNA position 2087, A replaced by G.
Protein change: p.His696Arg; replaces histidine 696 with arginine.
Molecular consequence: missense variant.
Genome position (GRCh38, 1-based): chr10:17,085,620, T>C on the plus strand (A>G on the coding strand, the complement: CUBN is on the minus strand). VCF-style: chr10-17085620-T-C. GRCh37 (hg19) VCF-style: chr10-17127619-T-C.
Other names: short protein forms H696R.
Identifiers: ClinVar variation 2166118 (VCV002166118.1), dbSNP rs760016108, ClinGen allele CA5425111.

ClinVar aggregate classification (germline): Uncertain significance (1 of 4 stars; one submission).

Conditions:
Imerslund-Grasbeck syndrome. Also called: ENTEROCYTE COBALAMIN MALABSORPTION; ENTEROCYTE INTRINSIC FACTOR RECEPTOR, DEFECT OF; Megaloblastic anemia due to inborn errors of metabolism; Imerslund-Gräsbeck syndrome; PERNICIOUS ANEMIA, JUVENILE, DUE TO SELECTIVE INTESTINAL MALABSORPTION OF VITAMIN B12, WITH PROTEINURIA. Identifiers: Orphanet 35858, MedGen C4551825, MONDO:0009853.

Allele frequency attached by ClinVar (database versions not stated): gnomAD exomes below 0.00001; TOPMed below 0.00001; gnomAD 0.00001; ExAC 0.00003.
gnomAD v4.1: 6 of 1,614,062 alleles (0.00037%); highest among the groups gnomAD compares: Admixed American, 0.005%; no homozygotes.

Submission:

Labcorp Genetics (formerly Invitae), Labcorp
Classification: Uncertain significance for Imerslund-Grasbeck syndrome. Last evaluated: 2022-08-21. Review status: criteria provided, single submitter. Criteria: Invitae Variant Classification Sherloc (09022015). Collection method: clinical testing. Allele origin: germline.
Comment: This sequence change replaces histidine, which is basic and polar, with arginine, which is basic and polar, at codon 696 of the CUBN protein (p.His696Arg). This variant is present in population databases (rs760016108, gnomAD 0.01%). This variant has not been reported in the literature in individuals affected with CUBN-related conditions. Algorithms developed to predict the effect of missense changes on protein structure and function are either unavailable or do not agree on the potential impact of this missense change (SIFT: "Tolerated"; PolyPhen-2: "Possibly Damaging"; Align-GVGD: "Class C0"). In summary, the available evidence is currently insufficient to determine the role of this variant in disease. Therefore, it has been classified as a Variant of Uncertain Significance.